The following is an entry in ClinVar:

ClinVar aggregate classification (germline): Conflicting classifications of pathogenicity. Review status: criteria provided, conflicting classifications (1 of 4 stars). 10 submissions from 10 submitters: Uncertain significance (3); Benign (1); Likely benign (6). Last evaluated 2026-01-06.

Conditions:
Hereditary cancer-predisposing syndrome. Also called: Neoplastic Syndromes, Hereditary; Tumor predisposition; Hereditary Cancer Syndrome; Hereditary neoplastic syndrome. Identifiers: Orphanet 140162, MedGen C0027672, MeSH D009386, MONDO:0015356.
Tuberous sclerosis syndrome (TSC). Also called: Tuberous Sclerosis Complex; Tuberous sclerosis. Identifiers: Orphanet 805, MedGen C0041341, MONDO:0001734.
Tuberous sclerosis 1 (TSC1). Identifiers: Orphanet 805, MedGen C1854465, MONDO:0008612, OMIM 191100.

Allele frequency attached by ClinVar (database versions not stated): gnomAD 0.00001; ExAC 0.00002; TOPMed 0.00002; gnomAD exomes 0.00004 and 0.00008.
gnomAD v4.1: 114 of 1,614,078 alleles (0.0071%); highest among the groups gnomAD compares: Middle Eastern, 0.049%; no homozygotes.

Submissions (10):

Labcorp Genetics (formerly Invitae), Labcorp
Classification: Benign for Tuberous sclerosis 1. Last evaluated: 2026-01-06. Review status: criteria provided, single submitter. Criteria: Invitae Variant Classification Sherloc (09022015). Collection method: clinical testing. Allele origin: germline.

Quest Diagnostics Nichols Institute San Juan Capistrano
Classification: Uncertain significance. Last evaluated: 2025-08-19. Review status: criteria provided, single submitter. Criteria: Quest Diagnostics criteria. Collection method: clinical testing. Allele origin: unknown.

Myriad Genetics, Inc.
Classification: Likely benign for Tuberous sclerosis 1. Last evaluated: 2025-04-08. Review status: criteria provided, single submitter. Criteria: Myriad Autosomal Dominant, Autosomal Recessive and X-Linked Classification Criteria (2023). Collection method: clinical testing. Allele origin: unknown.
Comment: This variant is considered likely benign. This variant has been observed at a population frequency that is significantly greater than expected given the associated disease prevalence and penetrance.

Blueprint Genetics
Classification: Likely benign. Last evaluated: 2024-06-11. Review status: criteria provided, single submitter. Criteria: ACMG Guidelines, 2015. Collection method: clinical testing. Allele origin: germline.

All of Us Research Program, National Institutes of Health
Classification: Uncertain significance for Tuberous sclerosis syndrome. Last evaluated: 2024-06-09. Review status: criteria provided, single submitter. Criteria: ACMG Guidelines, 2015. Collection method: clinical testing. Allele origin: germline. Inheritance: Autosomal dominant inheritance. Observed: 10 variant alleles, 10 heterozygotes.
Comment: This missense variant replaces arginine with cysteine at codon 288 of the TSC1 protein. Computational prediction is inconclusive regarding the impact of this variant on protein structure and function (internally defined REVEL score threshold 0.5 < inconclusive < 0.7, PMID: 27666373). To our knowledge, functional studies have not been reported for this variant. This variant has not been reported in individuals affected with TSC1-related disorders in the literature. This variant has been identified in 11/251340 chromosomes in the general population by the Genome Aggregation Database (gnomAD). The available evidence is insufficient to determine the role of this variant in disease conclusively. Therefore, this variant is classified as a Variant of Uncertain Significance.

This study involves interpretation of variants in research participants for the purpose of population health screening. Participant phenotype was not available at the time of variant classification. Additional details can be found in publication PMID: 35346344, PMCID: PMC8962531

Color Diagnostics, LLC DBA Color Health
Classification: Uncertain significance for Tuberous sclerosis syndrome. Last evaluated: 2024-04-03. Review status: criteria provided, single submitter. Criteria: ACMG Guidelines, 2015. Collection method: clinical testing. Allele origin: germline.
Comment: This missense variant replaces arginine with cysteine at codon 288 of the TSC1 protein. Computational prediction is inconclusive regarding the impact of this variant on protein structure and function. To our knowledge, functional studies have not been reported for this variant. This variant has not been reported in individuals affected with TSC1-related disorders in the literature. This variant has been identified in 11/251340 chromosomes in the general population by the Genome Aggregation Database (gnomAD). The available evidence is insufficient to determine the role of this variant in disease conclusively. Therefore, this variant is classified as a Variant of Uncertain Significance.

Genome-Nilou Lab
Classification: Likely benign for Tuberous sclerosis 1. Last evaluated: 2021-11-07. Review status: criteria provided, single submitter. Criteria: ACMG Guidelines, 2015. Collection method: clinical testing. Allele origin: germline. Affected: no.

Sema4
Classification: Likely benign for Hereditary cancer-predisposing syndrome. Last evaluated: 2021-06-05. Review status: criteria provided, single submitter. Criteria: Sema4 Curation Guidelines. Collection method: curation. Allele origin: germline.

Ambry Genetics
Classification: Likely benign for Hereditary cancer-predisposing syndrome. Last evaluated: 2021-02-09. Review status: criteria provided, single submitter. Criteria: Ambry Variant Classification Scheme 2023. Collection method: clinical testing. Allele origin: germline.

GeneDx
Classification: Likely benign. Last evaluated: 2020-11-03. Review status: criteria provided, single submitter. Criteria: GeneDx Variant Classification Process June 2021. Collection method: clinical testing. Allele origin: germline. Affected: yes.
Comment: This variant is associated with the following publications: (PMID: 28250423, 22014273)

Literature cited by the submitters: PubMed 29684080 (cited by Ambry Genetics).

NM_000368.5(TSC1):c.862C>T (p.Arg288Cys)

Gene: TSC1 (TSC complex subunit 1; minus strand). Cytogenetic location: 9q34.13.
Variant type: single nucleotide variant.
Coding change: c.862C>T on transcript NM_000368.5 (MANE Select); coding-DNA position 862, C replaced by T.
Protein change: p.Arg288Cys; replaces arginine 288 with cysteine.
Molecular consequence: missense variant.
Genome position (GRCh38, 1-based): chr9:132,912,333, G>A on the plus strand (C>T on the coding strand, the complement: TSC1 is on the minus strand). VCF-style: chr9-132912333-G-A. GRCh37 (hg19) VCF-style: chr9-135787720-G-A.
Other names: c.862C>T, p.Arg288Cys (NM_001162426.2); c.709C>T, p.Arg237Cys (NM_001162427.2); c.499C>T, p.Arg167Cys (NM_001362177.2); short protein forms R288C, R167C, R237C.
Identifiers: ClinVar variation 411210 (VCV000411210.27), dbSNP rs770653972, ClinGen allele CA039240.